The following is an entry in ClinVar:

NM_182641.4(BPTF):c.4466G>T (p.Ser1489Ile)

Gene: BPTF (bromodomain PHD finger transcription factor; plus strand). Cytogenetic location: 17q24.2.
Variant type: single nucleotide variant.
Coding change: c.4466G>T on transcript NM_182641.4 (MANE Select); coding-DNA position 4466, G replaced by T.
Protein change: p.Ser1489Ile; replaces serine 1489 with isoleucine.
Molecular consequence: missense variant.
Genome position (GRCh38, 1-based): chr17:67,912,350, G>T. VCF-style: chr17-67912350-G-T. GRCh37 (hg19) VCF-style: chr17-65908466-G-T.
Other names: c.4844G>T, p.Ser1615Ile (NM_004459.7); short protein forms S1489I, S1615I.
Identifiers: ClinVar variation 2428978 (VCV002428978.4), dbSNP rs2062710166, ClinGen allele CA400729730.
Genomic context (GRCh38, chr17:67,912,350, plus strand): 5'-ATGTCATCATGGAAGATTTTAATGAAAGAAACAGCTCCGAAACAAAATCGCATTTGCTGA[G>T]TTCTTCAGATGCTGAAGGTAACTACCGAGATAGCCTTGAGACCCTGCCATCAACCAAAGA-3'
Protein context (NP_872579.2, residues 1479-1499): NSSETKSHLL[Ser1489Ile]SSDAEGNYRD

ClinVar aggregate classification (germline): Uncertain significance (1 of 4 stars; one submission).

Submission:

GeneDx
Classification: Uncertain significance. Last evaluated: 2025-05-12. Review status: criteria provided, single submitter. Criteria: GeneDx Variant Classification Process June 2021. Collection method: clinical testing. Allele origin: germline.
Comment: Not observed at significant frequency in large population cohorts (gnomAD); In silico analysis supports that this missense variant has a deleterious effect on protein structure/function; Has not been previously published as pathogenic or benign to our knowledge